The following is an entry in ClinVar:

NM_025137.4(SPG11):c.2078C>T (p.Ala693Val)

Gene: SPG11 (SPG11 vesicle trafficking associated, spatacsin; minus strand). Cytogenetic location: 15q21.1.
Variant type: single nucleotide variant.
Coding change: c.2078C>T on transcript NM_025137.4 (MANE Select); coding-DNA position 2078, C replaced by T.
Protein change: p.Ala693Val; replaces alanine 693 with valine.
Molecular consequence: missense variant.
Genome position (GRCh38, 1-based): chr15:44,626,497, G>A on the plus strand (C>T on the coding strand, the complement: SPG11 is on the minus strand). VCF-style: chr15-44626497-G-A. GRCh37 (hg19) VCF-style: chr15-44918695-G-A.
Other names: c.2078C>T, p.Ala693Val (NM_001160227.2); short protein forms A693V.
Identifiers: ClinVar variation 1302656 (VCV001302656.2), dbSNP rs1329366922, ClinGen allele CA392233978.

ClinVar aggregate classification (germline): Uncertain significance (1 of 4 stars; one submission).

Allele frequency attached by ClinVar (database versions not stated): gnomAD exomes below 0.00001.
gnomAD v4.1: 2 of 1,613,600 alleles (0.00012%); highest among the groups gnomAD compares: Non-Finnish European, 0.00017%; no homozygotes.

Submission:

GeneDx
Classification: Uncertain significance. Last evaluated: 2019-05-03. Review status: criteria provided, single submitter. Criteria: GeneDx Variant Classification Process June 2021. Collection method: clinical testing. Allele origin: germline. Affected: yes.
Comment: Not observed at a significant frequency in large population cohorts (Lek et al., 2016); In silico analysis, which includes protein predictors and evolutionary conservation, supports that this variant does not alter protein structure/function; Has not been previously published as pathogenic or benign to our knowledge